The following is an entry in ClinVar:

NM_001374385.1(ATP8B1):c.1982T>C (p.Ile661Thr)

Gene: ATP8B1 (ATPase phospholipid transporting 8B1; minus strand). Cytogenetic location: 18q21.31.
Variant type: single nucleotide variant.
Coding change: c.1982T>C on transcript NM_001374385.1 (MANE Select); coding-DNA position 1982, T replaced by C.
Protein change: p.Ile661Thr; replaces isoleucine 661 with threonine.
Molecular consequence: missense variant.
Genome position (GRCh38, 1-based): chr18:57,669,433, A>G on the plus strand (T>C on the coding strand, the complement: ATP8B1 is on the minus strand). VCF-style: chr18-57669433-A-G. GRCh37 (hg19) VCF-style: chr18-55336665-A-G.
Other names: c.1832T>C, p.Ile611Thr (NM_001374386.1); c.1982T>C, p.Ile661Thr (NM_005603.6); short protein forms I661T, I611T.
Identifiers: ClinVar variation 7267 (VCV000007267.40), dbSNP rs121909100, ClinGen allele CA254134.
Genomic context (GRCh38, chr18:57,669,433, plus strand): 5'-GTGGAGGCCACACTGGCAGCCATAAACTTTTTATTCCATTCTGTAAATTCTTTTTCTTCA[A>G]TTTCCTTGTAGCAAAGGCATAGGGTTCTAAGAGTTTCATTTGCAAAGATCTGTTTTATTT-3'
Protein context (NP_001361314.1, residues 651-671): LRTLCLCYKE[Ile661Thr]EEKEFTEWNK

ClinVar aggregate classification (germline): Pathogenic/Likely pathogenic. Review status: criteria provided, multiple submitters, no conflicts (2 of 4 stars). 18 submissions from 17 submitters: Pathogenic (12); Likely pathogenic (1). 5 of the submissions do not count toward it. Last evaluated 2026-08-01.

Conditions:
Familial intrahepatic cholestasis. Identifiers: Orphanet 284385, MedGen CN296401, MONDO:0017290.
ATP8B1-related disorder. Also called: ATP8B1-related condition; ATP8B1-related disorders.
Progressive familial intrahepatic cholestasis (PFIC). Also called: Progressive family intrahepatic cholestasis; Progressive intrahepatic cholestasis. Identifiers: Orphanet 172, MedGen C0268312, MONDO:0015762.
Progressive familial intrahepatic cholestasis type 1. Also called: BYLER DISEASE; Byler's disease; Severe ATP8B1 Deficiency (Progressive Familial Intrahepatic Cholestasis Type 1 [PFIC1]). Identifiers: Orphanet 79306, MedGen C4551898, MONDO:0008892, OMIM 211600.
Benign recurrent intrahepatic cholestasis type 1. Also called: Mild-to-Moderate ATP8B1 Deficiency (Benign Recurrent Intrahepatic Cholestasis 1 [BRIC1]); SUMMERSKILL SYNDROME. Identifiers: Orphanet 65682, Orphanet 99960, MedGen C4551899, MONDO:0009469, OMIM 243300.
Cholestasis, intrahepatic, of pregnancy, 1 (ICP1). Also called: CHOLESTASIS, PREGNANCY-RELATED, 1. Identifiers: Orphanet 69665, MedGen C3549845, MONDO:0007829, OMIM 147480.

Allele frequency attached by ClinVar (database versions not stated): ExAC 0.00009; gnomAD 0.00009 and 0.00010; gnomAD exomes 0.00010 and 0.00017; TOPMed 0.00010; ESP Exome Variant Server 0.00015.
gnomAD v4.1: 257 of 1,613,520 alleles (0.016%); highest among the groups gnomAD compares: Non-Finnish European, 0.021%; no homozygotes.

Submissions 1 to 11 of 18:

PreventionGenetics, part of Exact Sciences
Classification: Pathogenic for ATP8B1-related condition. Last evaluated: 2026-08-01. Review status: criteria provided, single submitter. Criteria: ACMG Guidelines, 2015. Collection method: clinical testing. Allele origin: germline.
Comment: The ATP8B1 c.1982T>C variant is predicted to result in the amino acid substitution p.Ile661Thr. This variant has been reported to be one of the most common causative variants responsible for benign recurrent intrahepatic cholestasis (Bull et al. 1998. PubMed ID: 9500542; Folmer et al. 2009. PubMed ID: 19731236; van der Velden et al. 2010. PubMed ID: 19918981). This variant is reported in 0.016% of alleles in individuals of European (non-Finnish) descent in gnomAD and is consistently classified as likely pathogenic or pathogenic in ClinVar (Variation ID: 7267). This variant is interpreted as pathogenic.

Genomenon, Inc
Classification: Pathogenic for Familial intrahepatic cholestasis. Last evaluated: 2026-04-14. Review status: criteria provided, single submitter. Criteria: Genomenon Sequence Variant Interpretation Standards - Updated. Collection method: curation. Allele origin: germline. Affected: yes.
Comment: ATP8B1 p.Ile661Thr (c.1982T>C) is a missense variant that changes the amino acid at residue 661 from Isoleucine to Threonine. This variant has been observed in at least one proband with features of ATP8B1-deficiency (PMID:39768432;9500542;15239083;9918928;20232290;27050426;24905729). The variant was found to segregate with disease in at least one affected family (PMID:9918928). At least one functional study has demonstrated a substantial alteration in protein function relative to the wild-type (PMID:19918981;19731236). It is absent or not present at a significant frequency in gnomAD. In silico models predict that this variant is possibly or probably damaging. In conclusion, we classify ATP8B1 p.Ile661Thr (c.1982T>C) as a pathogenic variant.

Labcorp Genetics (formerly Invitae), Labcorp
Classification: Pathogenic. Last evaluated: 2026-01-20. Review status: criteria provided, single submitter. Criteria: Invitae Variant Classification Sherloc (09022015). Collection method: clinical testing. Allele origin: germline.
Comment: This sequence change replaces isoleucine, which is neutral and non-polar, with threonine, which is neutral and polar, at codon 661 of the ATP8B1 protein (p.Ile661Thr). This variant is present in population databases (rs121909100, gnomAD 0.02%). This missense change has been observed in individuals with benign recurrent intrahepatic cholestasis and/or progressive familial intrahepatic cholestasis (PMID: 9500542, 9918928, 15239083, 20232290, 33666275, 34016879). ClinVar contains an entry for this variant (Variation ID: 7267). Invitae Evidence Modeling of protein sequence and biophysical properties (such as structural, functional, and spatial information, amino acid conservation, physicochemical variation, residue mobility, and thermodynamic stability) indicates that this missense variant is not expected to disrupt ATP8B1 protein function with a negative predictive value of 80%. Experimental studies have shown that this missense change affects ATP8B1 function (PMID: 19731236, 19918981). For these reasons, this variant has been classified as Pathogenic.

Center for Genomic Medicine, Rigshospitalet, Copenhagen University Hospital
Classification: Pathogenic. Last evaluated: 2025-12-29. Review status: criteria provided, single submitter. Criteria: ACMG Guidelines, 2015. Collection method: clinical testing. Allele origin: germline.

Victorian Clinical Genetics Services, Murdoch Childrens Research Institute
Classification: Pathogenic for Benign recurrent intrahepatic cholestasis type 1. Last evaluated: 2024-11-28. Review status: criteria provided, single submitter. Criteria: ACMG Guidelines, 2015. Collection method: clinical testing. Allele origin: germline. Affected: yes.
Comment: This variant is classified as Pathogenic. Evidence in support of pathogenic classification: Variant is present in gnomAD <0.01 (v4: 257 heterozygote(s), 0 homozygote(s)); This variant has strong previous evidence of pathogenicity in unrelated individuals. This variant has been classified as likely pathogenic and pathogenic by clinical laboratories in ClinVar and reported in the literature in multiple homozygous and compound heterozygous individuals affected by benign recurrent intrahepatic cholestasis or progressive familial intrahepatic cholestasis. However, this variant has also been identified in multiple homozygous individuals who were unaffected (PMID: 15239083); Missense variant consistently predicted to be damaging by in silico tool or highly conserved with a major amino acid change. Additional information: Variant is predicted to result in a missense amino acid change from isoleucine to threonine; This variant is heterozygous; This gene is associated with both recessive and dominant disease. Damaging variants such as nonsense or frameshift are associated with more severe disease while missense variants generally cause more mild disease; however, the phenotypes associated with this gene likely represent one spectrum of disease (PMID: 20301474); An alternative amino acid change at the same position has been observed in gnomAD (v4: 9 heterozygotes, 0 homozygotes); Loss of function is a known mechanism of disease in this gene and is associated with benign recurrent intrahepatic cholestasis (MIM#243300), intrahepatic cholestasis of pregnancy, 1 (MIM#147480), and progressive familial intrahepatic 1 (MIM#211600); Inheritance information for this variant is not currently available in this individual.

Fulgent Genetics
Classification: Pathogenic for Cholestasis, intrahepatic, of pregnancy, 1; Progressive familial intrahepatic cholestasis type 1; Benign recurrent intrahepatic cholestasis type 1. Last evaluated: 2024-05-14. Review status: criteria provided, single submitter. Criteria: ACMG Guidelines, 2015. Collection method: clinical testing. Allele origin: germline.

Baylor Genetics
Classification: Pathogenic for Benign recurrent intrahepatic cholestasis type 1. Last evaluated: 2024-03-24. Review status: criteria provided, single submitter. Criteria: ACMG Guidelines, 2015. Collection method: clinical testing. Allele origin: unknown.

Mendelics
Classification: Likely pathogenic for Progressive familial intrahepatic cholestasis type 1. Last evaluated: 2023-06-19. Review status: criteria provided, single submitter. Criteria: Mendelics Assertion Criteria 2017. Collection method: clinical testing. Allele origin: unknown.

Women's Health and Genetics/Laboratory Corporation of America, LabCorp
Classification: Pathogenic for Progressive familial intrahepatic cholestasis. Last evaluated: 2023-02-04. Review status: criteria provided, single submitter. Criteria: LabCorp Variant Classification Summary - May 2015. Collection method: clinical testing. Allele origin: germline.
Comment: Variant summary: ATP8B1 c.1982T>C (p.Ile661Thr) results in a non-conservative amino acid change in the encoded protein sequence. Five of five in-silico tools predict a damaging effect of the variant on protein function. The variant allele was found at a frequency of 9.6e-05 in 251022 control chromosomes. This frequency is not significantly higher than estimated for a pathogenic variant in ATP8B1 causing Familial Intrahepatic Cholestasis (9.6e-05 vs 0.0022), allowing no conclusion about variant significance. c.1982T>C has been reported in the literature as a homozygous or compound heterozygous genotype in multiple individuals affected with Familial Intrahepatic Cholestasis (example, PMID: 19731236, 15239083, 9918928, 33666275). These data indicate that the variant is very likely to be associated with disease. At least one publication reports experimental evidence evaluating an impact on protein function (example, PMID: 19731236). The most pronounced variant effect results in decreased protein stability/overall reduced protein expression compared to wild type. Five clinical diagnostic laboratories have submitted clinical-significance assessments for this variant to ClinVar after 2014 without evidence for independent evaluation (Pathogenic, n=4). Based on the evidence outlined above, the variant was classified as pathogenic.

MGZ Medical Genetics Center
Classification: Pathogenic for Benign recurrent intrahepatic cholestasis type 1. Last evaluated: 2022-05-13. Review status: criteria provided, single submitter. Criteria: ACMG Guidelines, 2015. Collection method: clinical testing. Allele origin: germline. Affected: yes. Observed: 1 variant allele.
Comment: ACMG criteria applied: PM3_STR, PS3_MOD, PS4_MOD, PM2_SUP, PP4

Revvity Omics, Revvity
Classification: Pathogenic. Last evaluated: 2019-07-03. Review status: criteria provided, single submitter. Criteria: ACMG Guidelines, 2015. Collection method: clinical testing. Allele origin: germline.